The following is an entry in ClinVar:

NM_001199107.2(TBC1D24):c.965+1G>T

Gene: TBC1D24 (TBC1 domain family member 24; plus strand). Cytogenetic location: 16p13.3.
Variant type: single nucleotide variant.
Coding change: c.965+1G>T on transcript NM_001199107.2 (MANE Select); the canonical splice donor site of the intron after coding-DNA position 965, G replaced by T.
Molecular consequence: splice donor variant.
Genome position (GRCh38, 1-based): chr16:2,497,114, G>T. VCF-style: chr16-2497114-G-T. GRCh37 (hg19) VCF-style: chr16-2547115-G-T.
Other names: c.965+1G>T (NM_020705.3).
Identifiers: ClinVar variation 2923945 (VCV002923945.3), dbSNP rs1390045914, ClinGen allele CA394378211.

ClinVar aggregate classification (germline): Likely pathogenic (1 of 4 stars; one submission).

Conditions:
Autosomal dominant nonsyndromic hearing loss 65. Also called: Deafness, autosomal dominant 65; TBC1D24-Related Autosomal Dominant Nonsyndromic Hearing Loss (DFNA). Identifiers: Orphanet 90635, MedGen C3892048, MONDO:0014470, OMIM 616044.
Developmental and epileptic encephalopathy, 1 (DEE1). Also called: INFANTILE SPASM SYNDROME, X-LINKED 1; X-linked infantile spasms; West's syndrome; Tonic spasms with clustering, arrest of psychomotor development and hypsarrhythmia on EEG; X-Linked Infantile Spasm Syndrome; OHTAHARA SYNDROME, X-LINKED. Identifiers: MedGen C3463992, MONDO:0010632, OMIM 308350. Disease mechanism: loss of function.

Submission:

Labcorp Genetics (formerly Invitae), Labcorp
Classification: Likely pathogenic for Developmental and epileptic encephalopathy, 1; Autosomal dominant nonsyndromic hearing loss 65. Last evaluated: 2023-09-19. Review status: criteria provided, single submitter. Criteria: Invitae Variant Classification Sherloc (09022015). Collection method: clinical testing. Allele origin: germline.
Comment: This sequence change affects a donor splice site in intron 2 of the TBC1D24 gene. It is expected to disrupt RNA splicing. Variants that disrupt the donor or acceptor splice site typically lead to a loss of protein function (PMID: 16199547), and loss-of-function variants in TBC1D24 are known to be pathogenic (PMID: 23526554, 24291220). This variant is present in population databases (no rsID available, gnomAD 0.0009%). This variant has not been reported in the literature in individuals affected with TBC1D24-related conditions. Algorithms developed to predict the effect of sequence changes on RNA splicing suggest that this variant may disrupt the consensus splice site. In summary, the currently available evidence indicates that the variant is pathogenic, but additional data are needed to prove that conclusively. Therefore, this variant has been classified as Likely Pathogenic.

Literature cited by the submitters: PubMed 16199547; PubMed 23526554; PubMed 24291220.